The following is an entry in ClinVar:

NM_001278116.2(L1CAM):c.3257A>C (p.Tyr1086Ser)

Gene: L1CAM (L1 cell adhesion molecule; minus strand). Cytogenetic location: Xq28.
Variant type: single nucleotide variant.
Coding change: c.3257A>C on transcript NM_001278116.2 (MANE Select); coding-DNA position 3257, A replaced by C.
Protein change: p.Tyr1086Ser; replaces tyrosine 1086 with serine.
Molecular consequence: missense variant.
Genome position (GRCh38, 1-based): chrX:153,864,387, T>G on the plus strand (A>C on the coding strand, the complement: L1CAM is on the minus strand). VCF-style: chrX-153864387-T-G. GRCh37 (hg19) VCF-style: chrX-153129842-T-G.
Other names: c.3257A>C, p.Tyr1086Ser (NM_000425.5, NM_024003.3); c.3242A>C, p.Tyr1081Ser (NM_001143963.2); short protein forms Y1086S, Y1081S.
Identifiers: ClinVar variation 1476363 (VCV001476363.8), dbSNP rs2148493224, ClinGen allele CA415110739.

ClinVar aggregate classification (germline): Uncertain significance (1 of 4 stars; one submission).

Conditions:
Spastic paraplegia. Identifiers: MedGen C0037772, HP:0001258.

Submission:

Labcorp Genetics (formerly Invitae), Labcorp
Classification: Uncertain significance for Spastic paraplegia. Last evaluated: 2023-02-14. Review status: criteria provided, single submitter. Criteria: Invitae Variant Classification Sherloc (09022015). Collection method: clinical testing. Allele origin: germline.
Comment: In summary, the available evidence is currently insufficient to determine the role of this variant in disease. Therefore, it has been classified as a Variant of Uncertain Significance. Algorithms developed to predict the effect of missense changes on protein structure and function (SIFT, PolyPhen-2, Align-GVGD) all suggest that this variant is likely to be disruptive. ClinVar contains an entry for this variant (Variation ID: 1476363). This variant has not been reported in the literature in individuals affected with L1CAM-related conditions. This variant is not present in population databases (gnomAD no frequency). This sequence change replaces tyrosine, which is neutral and polar, with serine, which is neutral and polar, at codon 1086 of the L1CAM protein (p.Tyr1086Ser).